The following is an entry in ClinVar:

NM_032578.4(MYPN):c.3793G>A (p.Ala1265Thr)

Gene: MYPN (myopalladin; plus strand). Cytogenetic location: 10q21.3.
Variant type: single nucleotide variant.
Coding change: c.3793G>A on transcript NM_032578.4 (MANE Select); coding-DNA position 3793, G replaced by A.
Protein change: p.Ala1265Thr; replaces alanine 1265 with threonine.
Molecular consequence: missense variant. On other transcripts: non-coding transcript variant (2).
Genome position (GRCh38, 1-based): chr10:68,206,903, G>A. VCF-style: chr10-68206903-G-A. GRCh37 (hg19) VCF-style: chr10-69966660-G-A.
Other names: p.A1265T:GCT>ACT; c.3793G>A, p.Ala1265Thr (NM_001256267.2); c.2911G>A, p.Ala971Thr (NM_001256268.2); short protein forms A1265T, A971T.
Identifiers: ClinVar variation 201893 (VCV000201893.53), dbSNP rs199476416, ClinGen allele CA335328.

ClinVar aggregate classification (germline): Uncertain significance. Review status: criteria provided, multiple submitters, no conflicts (2 of 4 stars). 6 submissions from 6 submitters: Uncertain significance (6). Last evaluated 2026-06-16.

Conditions:
MYPN-related disorder. Also called: MYPN-related condition.
MYPN-related myopathy (CMYO24). Also called: Nemaline myopathy 11, autosomal recessive. Identifiers: MedGen C4479186, MONDO:0015023, OMIM 617336.
Dilated cardiomyopathy 1KK (CMD1KK). Identifiers: Orphanet 154, Orphanet 75249, MedGen C3714995, MONDO:0014100, OMIM 615248.
Cardiovascular phenotype. Identifiers: MedGen CN230736.

Allele frequency attached by ClinVar (database versions not stated): ExAC 0.00002; TOPMed 0.00012.
gnomAD v4.1: 30 of 1,613,908 alleles (0.0019%); highest among the groups gnomAD compares: African/African-American, 0.013%; no homozygotes.

Submissions (6):

PreventionGenetics, part of Exact Sciences
Classification: Uncertain significance for MYPN-related condition. Last evaluated: 2026-06-16. Review status: criteria provided, single submitter. Criteria: ACMG Guidelines, 2015. Collection method: clinical testing. Allele origin: germline.
Comment: The MYPN c.3793G>A variant is predicted to result in the amino acid substitution p.Ala1265Thr. This variant has been reported in an individual with mitral valve prolapse (Ioannou et al. 2022. Annals of Clinical Case Reports. Volume 7; article 2130). This variant is reported in 0.016% of alleles in individuals of African descent in gnomAD. At this time, the clinical significance of this variant is uncertain due to the absence of conclusive functional and genetic evidence.

Ambry Genetics
Classification: Uncertain significance for Cardiovascular phenotype. Last evaluated: 2024-07-03. Review status: criteria provided, single submitter. Criteria: Ambry Variant Classification Scheme 2023. Collection method: clinical testing. Allele origin: germline.
Comment: The c.3793G>A variant (also known as p.A1265T), located in coding exon 18 of the MYPN gene, results from a G to A substitution at nucleotide position 3793. The amino acid change results in alanine to threonine at codon 1265, an amino acid with similar properties. However, this change occurs in the last base pair of coding exon 18, which makes it likely to have some effect on normal mRNA splicing. This nucleotide position is highly conserved in available vertebrate species. In silico splice site analysis predicts that this alteration will not have any significant effect on splicing. This amino acid position is highly conserved in available vertebrate species. In addition, the in silico prediction for this alteration is inconclusive. Based on the available evidence, the clinical significance of this variant remains unclear.

GeneDx
Classification: Uncertain significance. Last evaluated: 2024-05-30. Review status: criteria provided, single submitter. Criteria: GeneDx Variant Classification Process June 2021. Collection method: clinical testing. Allele origin: germline. Affected: yes.
Comment: In silico analysis indicates that this missense variant does not alter protein structure/function; Reported in a patient with mitral valve prolapse (MVP) and cardiac arrest in published literature; however, a variant in the TMPO gene was also identified in this patient (Ioannou A. Mitral Valve Prolapse and Out-of-Hospital Cardiac Arrest: A Case Report and Literature Review. Annals of Clinical Case Reports); This variant is associated with the following publications: (PMID: Ioannou2022[article])

Labcorp Genetics (formerly Invitae), Labcorp
Classification: Uncertain significance for Dilated cardiomyopathy 1KK. Last evaluated: 2022-10-18. Review status: criteria provided, single submitter. Criteria: Invitae Variant Classification Sherloc (09022015). Collection method: clinical testing. Allele origin: germline.
Comment: This sequence change replaces alanine, which is neutral and non-polar, with threonine, which is neutral and polar, at codon 1265 of the MYPN protein (p.Ala1265Thr). This variant also falls at the last nucleotide of exon 19, which is part of the consensus splice site for this exon. This variant is present in population databases (rs199476416, gnomAD 0.02%). This variant has not been reported in the literature in individuals affected with MYPN-related conditions. ClinVar contains an entry for this variant (Variation ID: 201893). Algorithms developed to predict the effect of missense changes on protein structure and function are either unavailable or do not agree on the potential impact of this missense change (SIFT: "Tolerated"; PolyPhen-2: "Probably Damaging"; Align-GVGD: "Class C0"). Variants that disrupt the consensus splice site are a relatively common cause of aberrant splicing (PMID: 17576681, 9536098). In summary, the available evidence is currently insufficient to determine the role of this variant in disease. Therefore, it has been classified as a Variant of Uncertain Significance.

Fulgent Genetics
Classification: Uncertain significance for Dilated cardiomyopathy 1KK; MYPN-related myopathy. Last evaluated: 2021-09-01. Review status: criteria provided, single submitter. Criteria: ACMG Guidelines, 2015. Collection method: clinical testing. Allele origin: unknown.

CeGaT Center for Human Genetics Tuebingen
Classification: Uncertain significance. Last evaluated: 2021-03-01. Review status: criteria provided, single submitter. Criteria: CeGaT Center For Human Genetics Tuebingen Variant Classification Criteria Version 2. Collection method: clinical testing. Allele origin: germline. Affected: yes. Observed: 1 variant allele.

Literature cited by the submitters: PubMed 17576681 (cited by Labcorp Genetics (formerly Invitae), Labcorp); PubMed 9536098 (cited by Labcorp Genetics (formerly Invitae), Labcorp).